The following is an entry in ClinVar:

NM_177972.3(TUB):c.293C>G (p.Ala98Gly)

Genes: RIC3 (RIC3 acetylcholine receptor chaperone; minus strand), TUB (TUB bipartite transcription factor; plus strand). Cytogenetic location: 11p15.4.
Variant type: single nucleotide variant.
Coding change: c.293C>G on transcript NM_177972.3 (MANE Select); coding-DNA position 293, C replaced by G.
Protein change: p.Ala98Gly; replaces alanine 98 with glycine.
Molecular consequence: missense variant. On other transcripts: non-coding transcript variant (1).
Genome position (GRCh38, 1-based): chr11:8,094,085, C>G. VCF-style: chr11-8094085-C-G. GRCh37 (hg19) VCF-style: chr11-8115632-C-G.
Other names: c.458C>G (NM_003320.4); c.458C>G, p.Ala153Gly (NM_003320.5); short protein forms A98G, A153G.
Identifiers: ClinVar variation 1503356 (VCV001503356.5), dbSNP rs909748733, ClinGen allele CA379564544.

ClinVar aggregate classification (germline): Uncertain significance. Review status: criteria provided, multiple submitters, no conflicts (2 of 4 stars). 2 submissions from 2 submitters: Uncertain significance (2). Last evaluated 2026-06-03.

Conditions:
TUB-related disorder. Also called: TUB-related condition.

gnomAD v4.1: 4 of 1,614,050 alleles (0.00025%); highest among the groups gnomAD compares: African/African-American, 0.0027%; no homozygotes.

Submissions (2):

PreventionGenetics, part of Exact Sciences
Classification: Uncertain significance for TUB-related condition. Last evaluated: 2026-06-03. Review status: criteria provided, single submitter. Criteria: ACMG Guidelines, 2015. Collection method: clinical testing. Allele origin: germline.
Comment: The TUB c.458C>G variant is predicted to result in the amino acid substitution p.Ala153Gly. To our knowledge, this variant has not been reported in the literature or in a large population database (gnomAD), indicating this variant is rare. At this time, the clinical significance of this variant is uncertain due to the absence of conclusive functional and genetic evidence.

Labcorp Genetics (formerly Invitae), Labcorp
Classification: Uncertain significance. Last evaluated: 2022-08-08. Review status: criteria provided, single submitter. Criteria: Invitae Variant Classification Sherloc (09022015). Collection method: clinical testing. Allele origin: germline.
Comment: This sequence change replaces alanine, which is neutral and non-polar, with glycine, which is neutral and non-polar, at codon 153 of the TUB protein (p.Ala153Gly). This variant is not present in population databases (gnomAD no frequency). This variant has not been reported in the literature in individuals affected with TUB-related conditions. ClinVar contains an entry for this variant (Variation ID: 1503356). Algorithms developed to predict the effect of missense changes on protein structure and function (SIFT, PolyPhen-2, Align-GVGD) all suggest that this variant is likely to be tolerated. In summary, the available evidence is currently insufficient to determine the role of this variant in disease. Therefore, it has been classified as a Variant of Uncertain Significance.